The following is an entry in ClinVar:

ClinVar aggregate classification (germline): Conflicting classifications of pathogenicity. Review status: criteria provided, conflicting classifications (1 of 4 stars). 2 submissions from 2 submitters: Uncertain significance (1); Likely benign (1). Last evaluated 2026-01-05.

Conditions:
Dextro-looped transposition of the great arteries. Also called: Dextrotransposition of the great arteries. Identifiers: Orphanet 860, MedGen C3531771, MONDO:0019443, OMIM 608808, HP:0031348.

Submissions (2):

Labcorp Genetics (formerly Invitae), Labcorp
Classification: Likely benign for Dextro-looped transposition of the great arteries. Last evaluated: 2026-01-05. Review status: criteria provided, single submitter. Criteria: Invitae Variant Classification Sherloc (09022015). Collection method: clinical testing. Allele origin: germline.

Women's Health and Genetics/Laboratory Corporation of America, LabCorp
Classification: Uncertain significance. Last evaluated: 2023-08-11. Review status: criteria provided, single submitter. Criteria: LabCorp Variant Classification Summary - May 2015. Collection method: clinical testing. Allele origin: germline.
Comment: Variant summary: MED13L c.1393_1395delTCT (p.Ser465del) results in an in-frame deletion that is predicted to remove one amino acid from the encoded protein. The variant allele was found at a frequency of 4e-06 in 251254 control chromosomes (gnomAD). The available data on variant occurrences in the general population are insufficient to allow any conclusion about variant significance. To our knowledge, no occurrence of c.1393_1395delTCT in individuals affected with Intellectual Disability And Distinctive Facial Features With Or Without Cardiac Defects and no experimental evidence demonstrating its impact on protein function have been reported. One submitter has cited clinical-significance assessments for this variant to ClinVar after 2014 and has classified the variant as uncertain significance. Based on the evidence outlined above, the variant was classified as uncertain significance.

NM_015335.5(MED13L):c.1390TCT[1] (p.Ser465del)

Gene: MED13L (mediator complex subunit 13L; minus strand). Cytogenetic location: 12q24.21.
Variant type: Microsatellite.
Coding change: c.1390TCT[1] on transcript NM_015335.5 (MANE Select); one copy of the 3-base unit TCT starting at c.1390; the reference has two copies in a row; one copy, 3 bases deleted.
Protein change: p.Ser465del; deletes serine 465.
Molecular consequence: inframe deletion.
Genome position (GRCh38, 1-based): chr12:116,009,018-116,009,020, AGA deleted on the plus strand (TCT on the coding strand, the reverse complement: MED13L is on the minus strand); deleting any 3 consecutive bases within chr12:116,009,018-116,009,025 gives the same sequence; the position shown is the placement nearest the transcript's 3' end. VCF-style (leftmost placement, unchanged base first): chr12-116009017-TAGA-T. GRCh37 (hg19) VCF-style: chr12-116446822-TAGA-T.
Other names: c.1393_1395delTCT (NM_015335.4); short protein forms S465del.
Identifiers: ClinVar variation 2194693 (VCV002194693.5), dbSNP rs1566007803, ClinGen allele CA608055632.
Genomic context (GRCh38, chr12:116,009,017, plus strand): 5'-GTATTAAGGGTCTCTTTTGCAGCTTGTCTCCTTTTTCCTGTCTTTCTGCTGTTTTGTGCT[TAGA>T]AGAAGCAGGAGGTGGTAAAGATGAAGATGATGATGGTCCTGCACTGAACCCTGGTTGAGA-3'